The following is an entry in ClinVar:

ClinVar aggregate classification (germline): Conflicting classifications of pathogenicity. Review status: criteria provided, conflicting classifications (1 of 4 stars). 2 submissions from 2 submitters: Uncertain significance (1); Likely benign (1). Last evaluated 2026-02-03.

Conditions:
ENHANCED S-CONE SYNDROME 1 (ESCS1). Also called: RETINOSCHISIS WITH EARLY HEMERALOPIA; FAVRE HYALOIDEORETINAL DEGENERATION. Identifiers: MedGen CN380299, OMIM 268100.

Allele frequency attached by ClinVar (database versions not stated): gnomAD 0.00001; gnomAD exomes 0.00001; TOPMed 0.00001; ExAC 0.00002.
gnomAD v4.1: 4 of 1,588,272 alleles (0.00025%); highest among the groups gnomAD compares: Non-Finnish European, 0.00034%; no homozygotes.

Submissions (2):

Myriad Genetics, Inc.
Classification: Uncertain significance for ENHANCED S-CONE SYNDROME 1. Last evaluated: 2026-02-03. Review status: criteria provided, single submitter. Criteria: Myriad Autosomal Dominant, Autosomal Recessive and X-Linked Classification Criteria (2023). Collection method: clinical testing. Allele origin: unknown.
Comment: NM_014249.2(NR2E3):c.1101-5T>C is an intronic variant classified as a variant of uncertain significance in the context of enhanced S-cone syndrome. c.1101-5T>C has not been observed in cases with relevant disease. Relevant functional assessments of this variant are not available in the literature. c.1101-5T>C has been observed in referenced population frequency databases. In summary, there is insufficient evidence to classify NM_014249.2(NR2E3):c.1101-5T>C as pathogenic or benign. Please note: this variant was assessed in the context of healthy population screening.

Labcorp Genetics (formerly Invitae), Labcorp
Classification: Likely benign. Last evaluated: 2022-10-28. Review status: criteria provided, single submitter. Criteria: Invitae Variant Classification Sherloc (09022015). Collection method: clinical testing. Allele origin: germline.

NM_014249.4(NR2E3):c.1101-5T>C

Gene: NR2E3 (nuclear receptor subfamily 2 group E member 3; plus strand). Cytogenetic location: 15q23.
Variant type: single nucleotide variant.
Coding change: c.1101-5T>C on transcript NM_014249.4 (MANE Select); 5 bases into the intron before coding-DNA position 1101, T replaced by C.
Molecular consequence: intron variant.
Genome position (GRCh38, 1-based): chr15:71,817,547, T>C. VCF-style: chr15-71817547-T-C. GRCh37 (hg19) VCF-style: chr15-72109888-T-C.
Identifiers: ClinVar variation 1106330 (VCV001106330.10), dbSNP rs751080250, ClinGen allele CA7640523.
Genomic context (GRCh38, chr15:71,817,547, plus strand): 5'-ACCGCCCCAGGGACTAGTGCTCAGAAGCTGGTCGTAAAACTGATGGCGTCCTCTCTCCTG[T>C]TCAGGTTTGGGAAATTGCTCCTGCTCCTCCCGTCTTTGAGGTTTATCACTGCGGAACGCA-3'